The following is an entry in ClinVar:

ClinVar aggregate classification (germline): Likely benign. Review status: criteria provided, multiple submitters, no conflicts (2 of 4 stars). 3 submissions from 3 submitters: Likely benign (3). Last evaluated 2026-03-06.

Conditions:
SLC25A46-related disorder. Also called: SLC25A46-related condition.
Neuropathy, hereditary motor and sensory, type 6B (HMSN6B). Also called: HMSN VIB; CHARCOT-MARIE-TOOTH DISEASE, TYPE 6B; Neuropathy, hereditary motor and sensory, type VIB; NEUROPATHY, HEREDITARY MOTOR AND SENSORY, TYPE VIB, WITH OPTIC ATROPHY. Identifiers: MedGen C4225302, MONDO:0014671, OMIM 616505.

Allele frequency attached by ClinVar (database versions not stated): gnomAD exomes 0.00002; ExAC 0.00008; ESP Exome Variant Server 0.00008.
gnomAD v4.1: 82 of 1,575,008 alleles (0.0052%); highest among the groups gnomAD compares: Non-Finnish European, 0.0066%; no homozygotes.

Submissions (3):

PreventionGenetics, part of Exact Sciences
Classification: Likely benign for SLC25A46-related condition. Last evaluated: 2026-03-06. Review status: criteria provided, single submitter. Criteria: ACMG Guidelines, 2015. Collection method: clinical testing. Allele origin: germline.
Comment: This variant is classified as likely benign based on ACMG/AMP sequence variant interpretation guidelines (Richards et al. 2015 PMID: 25741868, with internal and published modifications).

Labcorp Genetics (formerly Invitae), Labcorp
Classification: Likely benign for Neuropathy, hereditary motor and sensory, type 6B. Last evaluated: 2026-02-03. Review status: criteria provided, single submitter. Criteria: Invitae Variant Classification Sherloc (09022015). Collection method: clinical testing. Allele origin: germline.

Blueprint Genetics
Classification: Likely benign. Last evaluated: 2024-05-31. Review status: criteria provided, single submitter. Criteria: ACMG Guidelines, 2015. Collection method: clinical testing. Allele origin: germline.

NM_138773.4(SLC25A46):c.168C>T (p.His56=)

Gene: SLC25A46 (solute carrier family 25 member 46; plus strand). Cytogenetic location: 5q22.1.
Variant type: single nucleotide variant.
Coding change: c.168C>T on transcript NM_138773.4 (MANE Select); coding-DNA position 168, C replaced by T.
Protein change: p.His56=; no amino-acid change (histidine 56 retained).
Molecular consequence: synonymous variant. On other transcripts: non-coding transcript variant (1), intron variant (1).
Genome position (GRCh38, 1-based): chr5:110,739,287, C>T. VCF-style: chr5-110739287-C-T. GRCh37 (hg19) VCF-style: chr5-110074988-C-T.
Other names: c.168C>T, p.His56= (NM_001303249.3); c.10+1040C>T (NM_001303250.3); c.168C>T (NM_138773.3).
Identifiers: ClinVar variation 1116445 (VCV001116445.11), dbSNP rs140606969, ClinGen allele CA3364487.